The following is an entry in ClinVar:

ClinVar aggregate classification (germline): Uncertain significance (1 of 4 stars; one submission).

Conditions:
Tuberous sclerosis 2 (TSC2). Identifiers: Orphanet 805, MedGen C1860707, MONDO:0013199, OMIM 613254.

Submission:

Labcorp Genetics (formerly Invitae), Labcorp
Classification: Uncertain significance for Tuberous sclerosis 2. Last evaluated: 2025-05-26. Review status: criteria provided, single submitter. Criteria: Invitae Variant Classification Sherloc (09022015). Collection method: clinical testing. Allele origin: germline.
Comment: This sequence change falls in intron 5 of the TSC2 gene. It does not directly change the encoded amino acid sequence of the TSC2 protein. This variant is not present in population databases (gnomAD no frequency). This variant has not been reported in the literature in individuals affected with TSC2-related conditions. Algorithms developed to predict the effect of sequence changes on RNA splicing suggest that this variant may disrupt the consensus splice site. In summary, the available evidence is currently insufficient to determine the role of this variant in disease. Therefore, it has been classified as a Variant of Uncertain Significance.

NM_000548.5(TSC2):c.482-10T>C

Gene: TSC2 (TSC complex subunit 2; plus strand). Cytogenetic location: 16p13.3.
Variant type: single nucleotide variant.
Coding change: c.482-10T>C on transcript NM_000548.5 (MANE Select); 10 bases into the intron before coding-DNA position 482, T replaced by C.
Molecular consequence: intron variant.
Genome position (GRCh38, 1-based): chr16:2,055,392, T>C. VCF-style: chr16-2055392-T-C. GRCh37 (hg19) VCF-style: chr16-2105393-T-C.
Other names: c.335-10T>C (NM_001406675.1, NM_001406676.1, NM_001318829.2 and 1 more transcripts); c.-1-804T>C (NM_001406686.1, NM_001406682.1, NM_001406684.1 and 3 more transcripts); c.515-10T>C (NM_001318832.2); c.482-10T>C (NM_001406671.1, NM_001406673.1, NM_001114382.3 and 8 more transcripts); c.37-27T>C (NM_001406681.1); c.371-10T>C (NM_001406670.1, NM_001318827.2, NM_001406678.1); c.425-10T>C (NM_001406677.1); c.-1166-10T>C (NM_001406693.1); and 6 more.
Identifiers: ClinVar variation 4720234 (VCV004720234.1).
Genomic context (GRCh38, chr16:2,055,392, plus strand): 5'-GGCGGGAGGGGGAGGTGAGTGGGAGATGTAGATTCGGCGTCCTCGCAAACTGCCGCCGCT[T>C]CTCCCCCAGCTGACTTTGTCCTGCAGTGGATGGATGTTGGCTTGTCCTCGGAATTCCTTC-3'